The following is an entry in ClinVar:

NM_001099403.2(PRDM8):c.895G>C (p.Glu299Gln)

Gene: PRDM8 (PR/SET domain 8; plus strand). Cytogenetic location: 4q21.21.
Variant type: single nucleotide variant.
Coding change: c.895G>C on transcript NM_001099403.2 (MANE Select); coding-DNA position 895, G replaced by C.
Protein change: p.Glu299Gln; replaces glutamic acid 299 with glutamine.
Molecular consequence: missense variant.
Genome position (GRCh38, 1-based): chr4:80,202,357, G>C. VCF-style: chr4-80202357-G-C. GRCh37 (hg19) VCF-style: chr4-81123511-G-C.
Other names: c.895G>C, p.Glu299Gln (NM_020226.4); short protein forms E299Q.
Identifiers: ClinVar variation 1400823 (VCV001400823.6), dbSNP rs1294279847, ClinGen allele CA357395586.

ClinVar aggregate classification (germline): Uncertain significance (1 of 4 stars; one submission).

Conditions:
Early-onset Lafora body disease. Also called: Epilepsy, progressive myoclonic, 10. Identifiers: Orphanet 324290, MedGen C4225258, MONDO:0014717, OMIM 616640.

gnomAD v4.1: 1 of 1,601,308 alleles (0.000062%); highest among the groups gnomAD compares: East Asian, 0.0023%; no homozygotes.

Submission:

Labcorp Genetics (formerly Invitae), Labcorp
Classification: Uncertain significance for Early-onset Lafora body disease. Last evaluated: 2021-10-28. Review status: criteria provided, single submitter. Criteria: Invitae Variant Classification Sherloc (09022015). Collection method: clinical testing. Allele origin: germline.
Comment: In summary, the available evidence is currently insufficient to determine the role of this variant in disease. Therefore, it has been classified as a Variant of Uncertain Significance. Algorithms developed to predict the effect of missense changes on protein structure and function are either unavailable or do not agree on the potential impact of this missense change (SIFT: "Tolerated"; PolyPhen-2: "Probably Damaging"; Align-GVGD: "Class C0"). This variant has not been reported in the literature in individuals affected with PRDM8-related conditions. This variant is not present in population databases (gnomAD no frequency). This sequence change replaces glutamic acid, which is acidic and polar, with glutamine, which is neutral and polar, at codon 299 of the PRDM8 protein (p.Glu299Gln).